The following is an entry in ClinVar:

ClinVar aggregate classification (germline): Uncertain significance. Review status: criteria provided, multiple submitters, no conflicts (2 of 4 stars). 2 submissions from 2 submitters: Uncertain significance (2). Last evaluated 2024-09-29.

Conditions:
Autosomal dominant limb-girdle muscular dystrophy type 1D (DNAJB6) (LGMDD1). Also called: MUSCULAR DYSTROPHY, AUTOSOMAL DOMINANT, WITH RIMMED VACUOLES; MUSCULAR DYSTROPHY, LIMB-GIRDLE, TYPE 1D; Autosomal dominant limb-girdle muscular dystrophy type 1D; Muscular dystrophy, limb-girdle, autosomal dominant 1. Identifiers: Orphanet 34516, MedGen C4721885, MONDO:0021018, OMIM 603511.

Submissions (2):

Labcorp Genetics (formerly Invitae), Labcorp
Classification: Uncertain significance for Autosomal dominant limb-girdle muscular dystrophy type 1D (DNAJB6). Last evaluated: 2024-09-29. Review status: criteria provided, single submitter. Criteria: Invitae Variant Classification Sherloc (09022015). Collection method: clinical testing. Allele origin: germline.
Comment: This sequence change affects an acceptor splice site in intron 2 of the DNAJB6 gene. It is expected to disrupt RNA splicing. Variants that disrupt the donor or acceptor splice site typically lead to a loss of protein function (PMID: 16199547), however the current clinical and genetic evidence is not sufficient to establish whether loss-of-function variants in DNAJB6 cause disease. This variant is not present in population databases (gnomAD no frequency). This variant has not been reported in the literature in individuals affected with DNAJB6-related conditions. ClinVar contains an entry for this variant (Variation ID: 1801203). Algorithms developed to predict the effect of sequence changes on RNA splicing suggest that this variant may disrupt the consensus splice site. In summary, the available evidence is currently insufficient to determine the role of this variant in disease. Therefore, it has been classified as a Variant of Uncertain Significance.

GeneDx
Classification: Uncertain significance. Last evaluated: 2022-05-24. Review status: criteria provided, single submitter. Criteria: GeneDx Variant Classification Process June 2021. Collection method: clinical testing. Allele origin: germline. Affected: yes.
Comment: Not observed at significant frequency in large population cohorts (gnomAD); Canonical splice site variant in a gene or region of a gene for which loss of function is not a well-established mechanism of disease; Has not been previously published as pathogenic or benign to our knowledge

Literature cited by the submitters: PubMed 16199547 (cited by Labcorp Genetics (formerly Invitae), Labcorp).

NM_058246.4(DNAJB6):c.66-2A>G

Gene: DNAJB6 (DnaJ heat shock protein family (Hsp40) member B6; plus strand). Cytogenetic location: 7q36.3.
Variant type: single nucleotide variant.
Coding change: c.66-2A>G on transcript NM_058246.4 (MANE Select); the canonical splice acceptor site of the intron before coding-DNA position 66, A replaced by G.
Molecular consequence: splice acceptor variant.
Genome position (GRCh38, 1-based): chr7:157,363,159, A>G. VCF-style: chr7-157363159-A-G. GRCh37 (hg19) VCF-style: chr7-157155853-A-G.
Other names: c.66-2A>G (NM_001363676.1, NM_005494.3).
Identifiers: ClinVar variation 1801203 (VCV001801203.3), dbSNP rs2535988791, ClinGen allele CA370165611.
Genomic context (GRCh38, chr7:157,363,159, plus strand): 5'-TTTCAAAAGCATAGTTGATTTCTGGATTTAGAATGTGATCTATATCCTTTATTCTTTCCA[A>G]GATATCGGAAACTGGCACTGAAGTGGCATCCAGATAAAAATCCTGAGAATAAAGAAGAAG-3'